The following is an entry in ClinVar:

ClinVar aggregate classification (germline): Likely benign (0 of 4 stars; one submission).

Conditions:
AXIN1-related disorder. Also called: AXIN1-related condition.

Allele frequency attached by ClinVar (database versions not stated): gnomAD exomes 0.00002; TOPMed 0.00003; gnomAD 0.00005.
gnomAD v4.1: 42 of 1,539,620 alleles (0.0027%); highest among the groups gnomAD compares: Middle Eastern, 0.017%; no homozygotes.

Submission:

PreventionGenetics, part of Exact Sciences
Classification: Likely benign for AXIN1-related condition. Last evaluated: 2019-08-20. Review status: no assertion criteria provided. Collection method: clinical testing. Allele origin: germline.
Comment: This variant is classified as likely benign based on ACMG/AMP sequence variant interpretation guidelines (Richards et al. 2015 PMID: 25741868, with internal and published modifications).

NM_003502.4(AXIN1):c.1275C>T (p.Gly425=)

Gene: AXIN1 (axin 1; minus strand). Cytogenetic location: 16p13.3.
Variant type: single nucleotide variant.
Coding change: c.1275C>T on transcript NM_003502.4 (MANE Select); coding-DNA position 1275, C replaced by T.
Protein change: p.Gly425=; no amino-acid change (glycine 425 retained).
Molecular consequence: synonymous variant. On other transcripts: non-coding transcript variant (1).
Genome position (GRCh38, 1-based): chr16:298,231, G>A on the plus strand (C>T on the coding strand, the complement: AXIN1 is on the minus strand). VCF-style: chr16-298231-G-A. GRCh37 (hg19) VCF-style: chr16-348231-G-A.
Other names: c.1275C>T, p.Gly425= (NM_181050.3).
Identifiers: ClinVar variation 3053344 (VCV003053344.2), dbSNP rs966557459, ClinGen allele CA276430777.